The following is an entry in ClinVar:

ClinVar aggregate classification (germline): Benign/Likely benign. Review status: criteria provided, multiple submitters, no conflicts (2 of 4 stars). 3 submissions from 3 submitters: Benign (1); Likely benign (2). Last evaluated 2025-05-12.

Conditions:
Tuberous sclerosis 2 (TSC2). Identifiers: Orphanet 805, MedGen C1860707, MONDO:0013199, OMIM 613254.
Hereditary cancer-predisposing syndrome. Also called: Hereditary neoplastic syndrome; Neoplastic Syndromes, Hereditary; Tumor predisposition; Hereditary Cancer Syndrome. Identifiers: Orphanet 140162, MedGen C0027672, MeSH D009386, MONDO:0015356.

Allele frequency attached by ClinVar (database versions not stated): gnomAD exomes below 0.00001.
gnomAD v4.1: 2 of 1,581,086 alleles (0.00013%); highest among the groups gnomAD compares: Non-Finnish European, 0.00017%; no homozygotes.

Submissions (3):

Myriad Genetics, Inc.
Classification: Benign for Tuberous sclerosis 2. Last evaluated: 2025-05-12. Review status: criteria provided, single submitter. Criteria: Myriad Autosomal Dominant, Autosomal Recessive and X-Linked Classification Criteria (2023). Collection method: clinical testing. Allele origin: unknown.
Comment: This variant is considered benign. This variant is a silent/synonymous amino acid change and it is not expected to impact splicing.

Labcorp Genetics (formerly Invitae), Labcorp
Classification: Likely benign for Tuberous sclerosis 2. Last evaluated: 2024-06-25. Review status: criteria provided, single submitter. Criteria: Invitae Variant Classification Sherloc (09022015). Collection method: clinical testing. Allele origin: germline.

Ambry Genetics
Classification: Likely benign for Hereditary cancer-predisposing syndrome. Last evaluated: 2023-04-13. Review status: criteria provided, single submitter. Criteria: Ambry Variant Classification Scheme 2023. Collection method: clinical testing. Allele origin: germline.

NM_000548.5(TSC2):c.852C>T (p.Ala284=)

Gene: TSC2 (TSC complex subunit 2; plus strand). Cytogenetic location: 16p13.3.
Variant type: single nucleotide variant.
Coding change: c.852C>T on transcript NM_000548.5 (MANE Select); coding-DNA position 852, C replaced by T.
Protein change: p.Ala284=; no amino-acid change (alanine 284 retained).
Molecular consequence: synonymous variant.
Genome position (GRCh38, 1-based): chr16:2,058,750, C>T. VCF-style: chr16-2058750-C-T. GRCh37 (hg19) VCF-style: chr16-2108751-C-T.
Other names: c.852C>T, p.Ala284= (NM_001077183.3, NM_001114382.3, NM_001363528.2 and 3 more transcripts); c.741C>T, p.Ala247= (NM_001318827.2); c.705C>T, p.Ala235= (NM_001318829.2); c.252C>T, p.Ala84= (NM_001318831.2); c.885C>T, p.Ala295= (NM_001318832.2).
Identifiers: ClinVar variation 468190 (VCV000468190.11), dbSNP rs1555499631, ClinGen allele CA492959538.